The following is an entry in ClinVar:

NM_152618.3(BBS12):c.1186_1187del (p.Trp396fs)

Gene: BBS12 (Bardet-Biedl syndrome 12; plus strand). Cytogenetic location: 4q27.
Variant type: Microsatellite.
Coding change: c.1186_1187del on transcript NM_152618.3 (MANE Select); coding-DNA positions 1186 to 1187, 2 bases deleted (TG; older notation c.1186_1187delTG).
Protein change: p.Trp396fs; shifts the reading frame from tryptophan 396.
Molecular consequence: frameshift variant.
Genome position (GRCh38, 1-based): chr4:122,743,078-122,743,079, TG deleted; deleting any 2 consecutive bases within chr4:122,743,076-122,743,079 gives the same sequence; the c. name uses the placement nearest the transcript's 3' end. VCF-style (leftmost placement, unchanged base first): chr4-122743075-CTG-C. GRCh37 (hg19) VCF-style: chr4-123664230-CTG-C.
Other names: c.1186_1187del, p.Trp396fs (NM_001178007.2); short protein forms W396fs.
Identifiers: ClinVar variation 2863118 (VCV002863118.3), dbSNP rs2485075555, ClinGen allele CA2739270258.

ClinVar aggregate classification (germline): Pathogenic (1 of 4 stars; one submission).

Conditions:
Bardet-Biedl syndrome (BBS). Identifiers: Orphanet 110, MedGen C0752166, MONDO:0015229.

Submission:

Labcorp Genetics (formerly Invitae), Labcorp
Classification: Pathogenic for Bardet-Biedl syndrome. Last evaluated: 2023-05-11. Review status: criteria provided, single submitter. Criteria: Invitae Variant Classification Sherloc (09022015). Collection method: clinical testing. Allele origin: germline.
Comment: This variant is not present in population databases (gnomAD no frequency). This sequence change creates a premature translational stop signal (p.Trp396Glyfs*28) in the BBS12 gene. While this is not anticipated to result in nonsense mediated decay, it is expected to disrupt the last 315 amino acid(s) of the BBS12 protein. This variant has not been reported in the literature in individuals affected with BBS12-related conditions. This variant disrupts a region of the BBS12 protein in which other variant(s) (p.Ser701*) have been determined to be pathogenic (PMID: 20648243). This suggests that this is a clinically significant region of the protein, and that variants that disrupt it are likely to be disease-causing. For these reasons, this variant has been classified as Pathogenic.

Literature cited by the submitters: PubMed 20648243.